The following is an entry in ClinVar:

ClinVar aggregate classification (germline): Likely pathogenic (1 of 4 stars; one submission).

Submission:

Labcorp Genetics (formerly Invitae), Labcorp
Classification: Likely pathogenic. Last evaluated: 2019-07-22. Review status: criteria provided, single submitter. Criteria: Invitae Variant Classification Sherloc (09022015). Collection method: clinical testing. Allele origin: germline.
Comment: In summary, the currently available evidence indicates that the variant is pathogenic, but additional data are needed to prove that conclusively. Therefore, this variant has been classified as Likely Pathogenic. Donor and acceptor splice site variants typically lead to a loss of protein function (PMID: 16199547), and loss-of-function variants in PCDH15 are known to be pathogenic (PMID: 11398101, 11487575, 14570705). Algorithms developed to predict the effect of sequence changes on RNA splicing suggest that this variant may disrupt the consensus splice site, but this prediction has not been confirmed by published transcriptional studies. This variant has not been reported in the literature in individuals with PCDH15-related conditions. This variant is not present in population databases (ExAC no frequency). This sequence change affects an acceptor splice site in intron 11 of the PCDH15 gene. It is expected to disrupt RNA splicing and likely results in an absent or disrupted protein product.

Literature cited by the submitters: PubMed 16199547; PubMed 11398101; PubMed 11487575; PubMed 14570705.

NM_001384140.1(PCDH15):c.1306-1G>C

Gene: PCDH15 (protocadherin related 15; minus strand). Cytogenetic location: 10q21.1.
Variant type: single nucleotide variant.
Coding change: c.1306-1G>C on transcript NM_001384140.1 (MANE Select); the canonical splice acceptor site of the intron before coding-DNA position 1306, G replaced by C.
Molecular consequence: splice acceptor variant.
Genome position (GRCh38, 1-based): chr10:54,185,269, C>G on the plus strand (G>C on the coding strand, the complement: PCDH15 is on the minus strand). VCF-style: chr10-54185269-C-G. GRCh37 (hg19) VCF-style: chr10-55945029-C-G.
Other names: c.1306-1G>C (NM_001354420.2, NM_001354429.2, NM_001142772.2 and 6 more transcripts); c.1321-1G>C (NM_001142771.2, NM_001142763.2); c.1327-1G>C (NM_001354411.2); c.1342-1G>C (NM_001142769.3); c.1240-1G>C (NM_001354404.2, NM_001142773.2, NM_001142768.2); c.1195-1G>C (NM_001142767.2).
Identifiers: ClinVar variation 934657 (VCV000934657.8), dbSNP rs1299990309, ClinGen allele CA376515709.